The following is an entry in ClinVar:

ClinVar aggregate classification (germline): Uncertain significance (1 of 4 stars; one submission).

Conditions:
Early-infantile DEE. Also called: Early infantile epileptic encephalopathy; Ohtahara syndrome; Early infantile epileptic encephalopathy with suppression bursts. Identifiers: Orphanet 1934, MedGen C0393706, MONDO:0800491.

Submission:

Labcorp Genetics (formerly Invitae), Labcorp
Classification: Uncertain significance for Early-infantile DEE. Last evaluated: 2018-07-25. Review status: criteria provided, single submitter. Criteria: Invitae Variant Classification Sherloc (09022015). Collection method: clinical testing. Allele origin: germline.
Comment: This variant identified in the SCN1A gene is located in the transmembrane D1-S4 region of the resulting protein (PMID: 25348405, 18804930), but it is unclear how this variant impacts the function of this protein. In summary, the available evidence is currently insufficient to determine the role of this variant in disease. Therefore, it has been classified as a Variant of Uncertain Significance. Algorithms developed to predict the effect of missense changes on protein structure and function (SIFT, PolyPhen-2, Align-GVGD) all suggest that this variant is likely to be disruptive, but these predictions have not been confirmed by published functional studies and their clinical significance is uncertain. This variant has not been reported in the literature in individuals with SCN1A-related disease. This variant is not present in population databases (ExAC no frequency). This sequence change replaces alanine with threonine at codon 214 of the SCN1A protein (p.Ala214Thr). The alanine residue is highly conserved and there is a small physicochemical difference between alanine and threonine.

Literature cited by the submitters: PubMed 25348405; PubMed 18804930.

NM_001165963.4(SCN1A):c.640G>A (p.Ala214Thr)

Gene: SCN1A (sodium voltage-gated channel alpha subunit 1; minus strand). Cytogenetic location: 2q24.3.
Variant type: single nucleotide variant.
Coding change: c.640G>A on transcript NM_001165963.4 (MANE Select); coding-DNA position 640, G replaced by A.
Protein change: p.Ala214Thr; replaces alanine 214 with threonine.
Molecular consequence: missense variant. On other transcripts: 5 prime UTR variant (1), non-coding transcript variant (1).
Genome position (GRCh38, 1-based): chr2:166,052,906, C>T on the plus strand (G>A on the coding strand, the complement: SCN1A is on the minus strand). VCF-style: chr2-166052906-C-T. GRCh37 (hg19) VCF-style: chr2-166909416-C-T.
Other names: c.640G>A, p.Ala214Thr (NM_001165964.3, NM_001202435.3, NM_001353948.2 and 10 more transcripts); c.-1786G>A (NM_001353961.2); short protein forms A214T.
Identifiers: ClinVar variation 662029 (VCV000662029.9), dbSNP rs1574272597, ClinGen allele CA349074256.